The following is an entry in ClinVar:

ClinVar aggregate classification (germline): Pathogenic (1 of 4 stars; one submission).

Submission:

Labcorp Genetics (formerly Invitae), Labcorp
Classification: Pathogenic. Last evaluated: 2024-11-06. Review status: criteria provided, single submitter. Criteria: Invitae Variant Classification Sherloc (09022015). Collection method: clinical testing. Allele origin: germline.
Comment: This sequence change creates a premature translational stop signal (p.Asp1115Alafs*8) in the DIP2C gene. It is expected to result in an absent or disrupted protein product. Loss-of-function variants in DIP2C are known to be pathogenic (PMID: 38421105). This variant is not present in population databases (gnomAD no frequency). This variant has not been reported in the literature in individuals affected with DIP2C-related conditions. ClinVar contains an entry for this variant (Variation ID: 2120391). For these reasons, this variant has been classified as Pathogenic.

Literature cited by the submitters: PubMed 38421105.

NM_014974.3(DIP2C):c.3323_3341dup (p.Asp1115fs)

Genes: DIP2C (DIP2 acetate--CoA ligase C (putative); minus strand), LOC126860805 (BRD4-independent group 4 enhancer GRCh37_chr10:390524-391723; plus strand). Cytogenetic location: 10p15.3.
Variant type: Duplication.
Coding change: c.3323_3341dup on transcript NM_014974.3 (MANE Select); coding-DNA positions 3323 to 3341, 19 bases duplicated (GGCCCCTCATCCTGGACAC).
Protein change: p.Asp1115fs; shifts the reading frame from aspartic acid 1115.
Molecular consequence: frameshift variant.
Genome position (GRCh38, 1-based): chr10:345,001-345,019, GTGTCCAGGATGAGGGGCC duplicated on the plus strand (GGCCCCTCATCCTGGACAC on the coding strand, the reverse complement: DIP2C is on the minus strand). VCF-style (leftmost placement, unchanged base first): chr10-345000-T-TGTGTCCAGGATGAGGGGCC. GRCh37 (hg19) VCF-style: chr10-390940-T-TGTGTCCAGGATGAGGGGCC.
Other names: short protein forms D1115fs.
Identifiers: ClinVar variation 2120391 (VCV002120391.4), dbSNP rs2540549307, ClinGen allele CA2580081300.